The following is an entry in ClinVar:

NM_001330588.2(TPP2):c.3717A>G (p.Gly1239=)

Gene: TPP2 (tripeptidyl peptidase 2; plus strand). Cytogenetic location: 13q33.1.
Variant type: single nucleotide variant.
Coding change: c.3717A>G on transcript NM_001330588.2 (MANE Select); coding-DNA position 3717, A replaced by G.
Protein change: p.Gly1239=; no amino-acid change (glycine 1239 retained).
Molecular consequence: synonymous variant. On other transcripts: non-coding transcript variant (1).
Genome position (GRCh38, 1-based): chr13:102,678,244, A>G. VCF-style: chr13-102678244-A-G. GRCh37 (hg19) VCF-style: chr13-103330594-A-G.
Other names: c.3804A>G, p.Gly1268= (NM_001367947.1); c.3678A>G, p.Gly1226= (NM_003291.4).
Identifiers: ClinVar variation 3681864 (VCV003681864.2).

ClinVar aggregate classification (germline): Uncertain significance (1 of 4 stars; one submission).

Conditions:
Evans syndrome, immunodeficiency, and premature immunosenescence associated with tripeptidyl-peptidase II deficiency. Identifiers: MedGen CN231723. Disease mechanism: loss of function.

gnomAD v4.1: 15 of 1,613,290 alleles (0.00093%); highest among the groups gnomAD compares: East Asian, 0.033%; no homozygotes.

Submission:

Labcorp Genetics (formerly Invitae), Labcorp
Classification: Uncertain significance for Evans syndrome, immunodeficiency, and premature immunosenescence associated with tripeptidyl-peptidase II deficiency. Last evaluated: 2024-04-10. Review status: criteria provided, single submitter. Criteria: Invitae Variant Classification Sherloc (09022015). Collection method: clinical testing. Allele origin: germline.
Comment: This sequence change affects codon 1226 of the TPP2 mRNA. It is a 'silent' change, meaning that it does not change the encoded amino acid sequence of the TPP2 protein. This variant is present in population databases (no rsID available, gnomAD 0.006%). This variant has not been reported in the literature in individuals affected with TPP2-related conditions. Algorithms developed to predict the effect of sequence changes on RNA splicing suggest that this variant may disrupt the consensus splice site. In summary, the available evidence is currently insufficient to determine the role of this variant in disease. Therefore, it has been classified as a Variant of Uncertain Significance.